The following is an entry in ClinVar:

NM_015465.5(GEMIN5):c.125G>A (p.Gly42Asp)

Gene: GEMIN5 (gem nuclear organelle associated protein 5; minus strand). Cytogenetic location: 5q33.2.
Variant type: single nucleotide variant.
Coding change: c.125G>A on transcript NM_015465.5 (MANE Select); coding-DNA position 125, G replaced by A.
Protein change: p.Gly42Asp; replaces glycine 42 with aspartic acid.
Molecular consequence: missense variant.
Genome position (GRCh38, 1-based): chr5:154,938,009, C>T on the plus strand (G>A on the coding strand, the complement: GEMIN5 is on the minus strand). VCF-style: chr5-154938009-C-T. GRCh37 (hg19) VCF-style: chr5-154317569-C-T.
Other names: c.125G>A, p.Gly42Asp (NM_001252156.2); short protein forms G42D.
Identifiers: ClinVar variation 3254990 (VCV003254990.2), dbSNP rs1472268474.

ClinVar aggregate classification (germline): Uncertain significance (1 of 4 stars; one submission).

Conditions:
Neurodevelopmental disorder with cerebellar atrophy and motor dysfunction. Identifiers: MedGen C5543427, MONDO:0859152, OMIM 619333.

gnomAD v4.1: 2 of 1,569,564 alleles (0.00013%); highest among the groups gnomAD compares: Non-Finnish European, 0.000086%; no homozygotes.

Submission:

Victorian Clinical Genetics Services, Murdoch Childrens Research Institute
Classification: Uncertain significance for Neurodevelopmental disorder with cerebellar atrophy and motor dysfunction. Last evaluated: 2024-09-21. Review status: criteria provided, single submitter. Criteria: ACMG Guidelines, 2015. Collection method: clinical testing. Allele origin: germline. Inheritance: Autosomal recessive inheritance. Affected: yes.
Comment: Based on the classification scheme VCGS_Germline_v1.3.4, this variant is classified as VUS-3B. Following criteria are met: 0102 - Loss of function is a known mechanism of disease in this gene and is associated with neurodevelopmental disorder with cerebellar atrophy and motor dysfunction (MIM#619333). (I) 0106 - This gene is associated with autosomal recessive disease. (I) 0200 - Variant is predicted to result in a missense amino acid change from glycine to aspartic acid. (I) 0252 - This variant is homozygous. (I) 0304 - Variant is present in gnomAD <0.01 for a recessive condition (v2: 2 heterozygotes, 0 homozygotes). (SP) 0309 - An alternative amino acid change at the same position has been observed in gnomAD (v3) (1 heterozygote, 0 homozygotes). (I) 0503 - Missense variant consistently predicted to be tolerated by multiple in silico tools or not conserved in placental mammals with a minor amino acid change. (SB) 0604 - Variant is not located in an established domain, motif, hotspot or informative constraint region. (I) 0705 - No comparable missense variants have previous evidence for pathogenicity. (I) 0807 - This variant has no previous evidence of pathogenicity. (I) 0905 - No published segregation evidence has been identified for this variant. (I) 1007 - No published functional evidence has been identified for this variant. (I) Legend: (SP) - Supporting pathogenic, (I) - Information, (SB) - Supporting benign